The following is an entry in ClinVar:

ClinVar aggregate classification (germline): Pathogenic/Likely pathogenic. Review status: criteria provided, multiple submitters, no conflicts (2 of 4 stars). 3 submissions from 3 submitters: Pathogenic (2); Likely pathogenic (1). Last evaluated 2026-01-18.

Conditions:
ABCC2-related disorder. Also called: ABCC2-related condition.

Allele frequency attached by ClinVar (database versions not stated): ExAC 0.00002; gnomAD exomes 0.00003.
gnomAD v4.1: 40 of 1,613,930 alleles (0.0025%); highest among the groups gnomAD compares: Admixed American, 0.0033%; no homozygotes.

Submissions (3):

Labcorp Genetics (formerly Invitae), Labcorp
Classification: Pathogenic. Last evaluated: 2026-01-18. Review status: criteria provided, single submitter. Criteria: Invitae Variant Classification Sherloc (09022015). Collection method: clinical testing. Allele origin: germline.
Comment: This sequence change creates a premature translational stop signal (p.Arg655*) in the ABCC2 gene. It is expected to result in an absent or disrupted protein product. Loss-of-function variants in ABCC2 are known to be pathogenic (PMID: 9185779, 16549534, 16952291). This variant is present in population databases (rs780765144, gnomAD 0.007%). This premature translational stop signal has been observed in individual(s) with Dubin‐Johnson syndrome (PMID: 31544333). ClinVar contains an entry for this variant (Variation ID: 1917907). For these reasons, this variant has been classified as Pathogenic.

PreventionGenetics, part of Exact Sciences
Classification: Pathogenic for ABCC2-related condition. Last evaluated: 2025-03-03. Review status: criteria provided, single submitter. Criteria: ACMG Guidelines, 2015. Collection method: clinical testing. Allele origin: germline.
Comment: The ABCC2 c.1963C>T variant is predicted to result in premature protein termination (p.Arg655*). This variant has been reported to be pathogenic for Dubin-Johnson syndrome (Corpechot et al. 2019. PubMed ID: 31544333) and has been noted with another ABCC2 variant in an individual with cholestasis (Wang et al. 2016. PubMed ID: 27706244). This variant is reported in 0.0062% of alleles in individuals of African descent in gnomAD. Nonsense variants in ABCC2 are expected to be pathogenic. This variant is interpreted as pathogenic.

Blueprint Genetics
Classification: Likely pathogenic for ABCC2-related disorders. Last evaluated: 2024-08-14. Review status: criteria provided, single submitter. Criteria: ACMG Guidelines, 2015. Collection method: clinical testing. Allele origin: de novo. Affected: yes. Observed: 5 variant alleles.

Literature cited by the submitters: PubMed 9185779 (cited by Labcorp Genetics (formerly Invitae), Labcorp); PubMed 16549534 (cited by Labcorp Genetics (formerly Invitae), Labcorp); PubMed 16952291 (cited by Labcorp Genetics (formerly Invitae), Labcorp); PubMed 31544333 (cited by Labcorp Genetics (formerly Invitae), Labcorp).

NM_000392.5(ABCC2):c.1963C>T (p.Arg655Ter)

Gene: ABCC2 (ATP binding cassette subfamily C member 2; plus strand). Cytogenetic location: 10q24.2.
Variant type: single nucleotide variant.
Coding change: c.1963C>T on transcript NM_000392.5 (MANE Select); coding-DNA position 1963, C replaced by T.
Protein change: p.Arg655Ter; replaces arginine 655 with a stop codon.
Molecular consequence: nonsense.
Genome position (GRCh38, 1-based): chr10:99,811,598, C>T. VCF-style: chr10-99811598-C-T. GRCh37 (hg19) VCF-style: chr10-101571355-C-T.
Other names: c.1963C>T (NM_000392.4); short protein forms R655*.
Identifiers: ClinVar variation 1917907 (VCV001917907.7), dbSNP rs780765144, ClinGen allele CA5643350.